The following is an entry in ClinVar:

ClinVar aggregate classification (germline): Uncertain significance (1 of 4 stars; one submission).

gnomAD v4.1: 13 of 1,613,942 alleles (0.00081%); highest among the groups gnomAD compares: Admixed American, 0.015%; no homozygotes.

Submission:

Labcorp Genetics (formerly Invitae), Labcorp
Classification: Uncertain significance. Last evaluated: 2025-06-03. Review status: criteria provided, single submitter. Criteria: Invitae Variant Classification Sherloc (09022015). Collection method: clinical testing. Allele origin: germline.
Comment: This sequence change replaces valine, which is neutral and non-polar, with isoleucine, which is neutral and non-polar, at codon 1041 of the STAG1 protein (p.Val1041Ile). This variant is present in population databases (rs769901929, gnomAD 0.009%). This variant has not been reported in the literature in individuals affected with STAG1-related conditions. Invitae Evidence Modeling of protein sequence and biophysical properties (such as structural, functional, and spatial information, amino acid conservation, physicochemical variation, residue mobility, and thermodynamic stability) indicates that this missense variant is not expected to disrupt STAG1 protein function with a negative predictive value of 80%. In summary, the available evidence is currently insufficient to determine the role of this variant in disease. Therefore, it has been classified as a Variant of Uncertain Significance.

NM_005862.3(STAG1):c.3121G>A (p.Val1041Ile)

Gene: STAG1 (STAG1 cohesin complex component; minus strand). Cytogenetic location: 3q22.3.
Variant type: single nucleotide variant.
Coding change: c.3121G>A on transcript NM_005862.3 (MANE Select); coding-DNA position 3121, G replaced by A.
Protein change: p.Val1041Ile; replaces valine 1041 with isoleucine.
Molecular consequence: missense variant.
Genome position (GRCh38, 1-based): chr3:136,349,308, C>T on the plus strand (G>A on the coding strand, the complement: STAG1 is on the minus strand). VCF-style: chr3-136349308-C-T. GRCh37 (hg19) VCF-style: chr3-136068150-C-T.
Other names: short protein forms V1041I.
Identifiers: ClinVar variation 4768538 (VCV004768538.1).